The following is an entry in ClinVar:

NM_003620.4(PPM1D):c.1205del (p.Asn402fs)

Gene: PPM1D (protein phosphatase, Mg2+/Mn2+ dependent 1D; plus strand). Cytogenetic location: 17q23.2.
Variant type: Deletion.
Coding change: c.1205del on transcript NM_003620.4 (MANE Select); coding-DNA position 1205, one base deleted (A; older notation c.1205delA).
Protein change: p.Asn402fs; shifts the reading frame from asparagine 402.
Molecular consequence: frameshift variant.
Genome position (GRCh38, 1-based): chr17:60,656,786, A deleted; the last of 2 consecutive A bases (chr17:60,656,785-60,656,786); deleting either gives the same sequence. VCF-style (leftmost placement, unchanged base first): chr17-60656784-TA-T. GRCh37 (hg19) VCF-style: chr17-58734145-TA-T.
Other names: short protein forms N402fs.
Identifiers: ClinVar variation 3309263 (VCV003309263.1).
Genomic context (GRCh38, chr17:60,656,784, plus strand): 5'-TCAGGGAAACTTTACCAATGAAGATGAGTTATACCTGAACCTGACTGACAGCCCTTCCTA[TA>T]ATAGTCAAGAAACCTGTGTGATGACTCCTTCCCCATGTTCTACACCACCAGTCAAGGTAT-3'

ClinVar aggregate classification (germline): Likely pathogenic (1 of 4 stars; one submission).

Conditions:
Inborn genetic diseases. Identifiers: MedGen C0950123, MeSH D030342.

Submission:

Ambry Genetics
Classification: Likely pathogenic for Inborn genetic diseases. Last evaluated: 2024-03-21. Review status: criteria provided, single submitter. Criteria: Ambry Variant Classification Scheme 2023. Collection method: clinical testing. Allele origin: germline.
Comment: The c.1205delA (p.N402Ifs*7) alteration, located in coding exon 5 of the PPM1D gene, consists of a deletion of one nucleotide at position 1205, causing a translational frameshift with a predicted alternate stop codon after 7 amino acids. This alteration occurs at the 3' terminus of the PPM1D gene, is not expected to trigger nonsense-mediated mRNA decay, and impacts the last 33% of the protein. Premature stop codons are typically deleterious in nature and the impacted region is critical for protein function (Ambry internal data). This variant was not reported in population-based cohorts in the Genome Aggregation Database (gnomAD). Based on the available evidence, this alteration is classified as likely pathogenic.